The following is an entry in ClinVar:

NM_004964.3(HDAC1):c.1263C>T (p.Ser421=)

Gene: HDAC1 (histone deacetylase 1; plus strand). Cytogenetic location: 1p35.1.
Variant type: single nucleotide variant.
Coding change: c.1263C>T on transcript NM_004964.3 (MANE Select); coding-DNA position 1263, C replaced by T.
Protein change: p.Ser421=; no amino-acid change (serine 421 retained).
Molecular consequence: synonymous variant.
Genome position (GRCh38, 1-based): chr1:32,332,133, C>T. VCF-style: chr1-32332133-C-T. GRCh37 (hg19) VCF-style: chr1-32797734-C-T.
Identifiers: ClinVar variation 3033900 (VCV003033900.2), dbSNP rs145425494, ClinGen allele CA741742.
Genomic context (GRCh38, chr1:32,332,133, plus strand): 5'-TTCCCACTCCCTCCCAGTCTGCTCCTCTGACAAACGAATTGCCTGTGAGGAAGAGTTCTC[C>T]GATTCTGAAGAGGAGGGAGAGGGGGGCCGCAAGAACTCTTCCAACTTCAAAAAAGCCAAG-3'
Protein context (NP_004955.2, residues 411-431): DKRIACEEEF[Ser421=]DSEEEGEGGR

ClinVar aggregate classification (germline): Likely benign (0 of 4 stars; one submission).

Conditions:
HDAC1-related disorder. Also called: HDAC1-related condition.

Allele frequency attached by ClinVar (database versions not stated): gnomAD exomes 0.00005; ESP Exome Variant Server 0.00008; TOPMed 0.00012; ExAC 0.00015; gnomAD 0.00020; 1000 Genomes Project 30x 0.00078; 1000 Genomes Project 0.00080.
gnomAD v4.1: 101 of 1,611,964 alleles (0.0063%); highest among the groups gnomAD compares: East Asian, 0.1%; no homozygotes.

Submission:

PreventionGenetics, part of Exact Sciences
Classification: Likely benign for HDAC1-related condition. Last evaluated: 2019-06-13. Review status: no assertion criteria provided. Collection method: clinical testing. Allele origin: germline.
Comment: This variant is classified as likely benign based on ACMG/AMP sequence variant interpretation guidelines (Richards et al. 2015 PMID: 25741868, with internal and published modifications).